The following is an entry in ClinVar:

ClinVar aggregate classification (germline): Pathogenic (1 of 4 stars; one submission).

Conditions:
Rhabdoid tumor predisposition syndrome 2 (RTPS2). Identifiers: Orphanet 231108, Orphanet 69077, MedGen C2750074, MONDO:0013224, OMIM 613325.

Submission:

Labcorp Genetics (formerly Invitae), Labcorp
Classification: Pathogenic for Rhabdoid tumor predisposition syndrome 2. Last evaluated: 2023-10-22. Review status: criteria provided, single submitter. Criteria: Invitae Variant Classification Sherloc (09022015). Collection method: clinical testing. Allele origin: germline.
Comment: This sequence change creates a premature translational stop signal (p.Pro1521Leufs*60) in the SMARCA4 gene. It is expected to result in an absent or disrupted protein product. Loss-of-function variants in SMARCA4 are known to be pathogenic (PMID: 24658001, 24658002). This variant is not present in population databases (gnomAD no frequency). This variant has not been reported in the literature in individuals affected with SMARCA4-related conditions. For these reasons, this variant has been classified as Pathogenic.

Literature cited by the submitters: PubMed 24658001; PubMed 24658002.

NM_003072.5(SMARCA4):c.4465_4466insT (p.Pro1489fs)

Gene: SMARCA4 (SWI/SNF related BAF chromatin remodeling complex subunit ATPase 4; plus strand). Cytogenetic location: 19p13.2.
Variant type: Insertion.
Coding change: c.4465_4466insT on transcript NM_003072.5 (MANE Select); coding-DNA positions 4465 to 4466, T inserted.
Protein change: p.Pro1489fs; shifts the reading frame from proline 1489.
Molecular consequence: frameshift variant. On other transcripts: non-coding transcript variant (1).
Genome position: GRCh38 VCF-style: chr19-11058295-C-CT. GRCh37 (hg19) VCF-style: chr19-11168971-C-CT.
Other names: c.4465_4466insT, p.Pro1489fs (NM_001128844.3); c.4375_4376insT, p.Pro1459fs (NM_001128845.2); c.4372_4373insT, p.Pro1458fs (NM_001128846.2); c.4366_4367insT, p.Pro1456fs (NM_001128847.4, NM_001374457.1); c.4363_4364insT, p.Pro1455fs (NM_001128848.2); c.4561_4562insT, p.Pro1521fs (NM_001128849.3, NM_001387283.1); c.4462_4463insT, p.Pro1488fs (NM_001411150.1); short protein forms P1458fs, P1456fs, P1488fs, P1459fs, P1521fs, P1455fs, P1489fs.
Identifiers: ClinVar variation 2770889 (VCV002770889.3), dbSNP rs2515763244, ClinGen allele CA2697556275.
Genomic context (GRCh38, chr19:11,058,295, plus strand): 5'-CCGCCGGTTCTGCCTTGCAGCAGCAGTGGACGTCAGCTCAGCGAGGTCTTCATCCAGCTG[C>CT]CCTCGCGAAAGGAGCTGCCCGAGTACTACGAGCTCATCCGCAAGCCCGTGGACTTCAAGA-3'